The following is an entry in ClinVar:

NM_017654.4(SAMD9):c.3812T>C (p.Phe1271Ser)

Gene: SAMD9 (sterile alpha motif domain containing 9; minus strand). Cytogenetic location: 7q21.2.
Variant type: single nucleotide variant.
Coding change: c.3812T>C on transcript NM_017654.4 (MANE Select); coding-DNA position 3812, T replaced by C.
Protein change: p.Phe1271Ser; replaces phenylalanine 1271 with serine.
Molecular consequence: missense variant.
Genome position (GRCh38, 1-based): chr7:93,102,286, A>G on the plus strand (T>C on the coding strand, the complement: SAMD9 is on the minus strand). VCF-style: chr7-93102286-A-G. GRCh37 (hg19) VCF-style: chr7-92731599-A-G.
Other names: c.3812T>C, p.Phe1271Ser (NM_001193307.2); short protein forms F1271S.
Identifiers: ClinVar variation 735472 (VCV000735472.13), dbSNP rs201873378, ClinGen allele CA4342635.
Genomic context (GRCh38, chr7:93,102,286, plus strand): 5'-TTGGCCTCTTCATTTTGCTTAATATTGTTCCTGGGTTTTAGCAGGACAAAGTATTCATCA[A>G]AAAAATCAAAGGACTTTTTCAAAGAAAATTTCAATTTAGTTAAATAAGGAATATAGTTTT-3'
Protein context (NP_060124.2, residues 1261-1281): KFSLKKSFDF[Phe1271Ser]DEYFVLLKPR

ClinVar aggregate classification (germline): Likely benign. Review status: criteria provided, single submitter (1 of 4 stars). 2 submissions from 2 submitters: Likely benign (1). 1 of the submissions does not count toward it. Last evaluated 2026-02-01.

Conditions:
SAMD9-related disorder. Also called: SAMD9-related condition.

Allele frequency attached by ClinVar (database versions not stated): gnomAD 0.00002 and 0.00025; TOPMed 0.00010; gnomAD exomes 0.00046 and 0.00096; ExAC 0.00102; 1000 Genomes Project 0.00140; 1000 Genomes Project 30x 0.00141.
gnomAD v4.1: 712 of 1,612,544 alleles (0.044%); highest among the groups gnomAD compares: South Asian, 0.72%; 8 homozygotes.

Submissions (2):

Labcorp Genetics (formerly Invitae), Labcorp
Classification: Likely benign. Last evaluated: 2026-02-01. Review status: criteria provided, single submitter. Criteria: Invitae Variant Classification Sherloc (09022015). Collection method: clinical testing. Allele origin: germline.

PreventionGenetics, part of Exact Sciences
Classification: Likely benign for SAMD9-related condition. Last evaluated: 2021-07-20. Review status: no assertion criteria provided. Collection method: clinical testing. Allele origin: germline. Not counted in ClinVar's aggregate classification.
Comment: This variant is classified as likely benign based on ACMG/AMP sequence variant interpretation guidelines (Richards et al. 2015 PMID: 25741868, with internal and published modifications).